The following is an entry in ClinVar:

NM_000441.2(SLC26A4):c.668T>C (p.Phe223Ser)

Gene: SLC26A4 (solute carrier family 26 member 4; plus strand). Cytogenetic location: 7q22.3.
Variant type: single nucleotide variant.
Coding change: c.668T>C on transcript NM_000441.2 (MANE Select); coding-DNA position 668, T replaced by C.
Protein change: p.Phe223Ser; replaces phenylalanine 223 with serine.
Molecular consequence: missense variant.
Genome position (GRCh38, 1-based): chr7:107,675,012, T>C. VCF-style: chr7-107675012-T-C. GRCh37 (hg19) VCF-style: chr7-107315457-T-C.
Other names: short protein forms F223S.
Identifiers: ClinVar variation 2678944 (VCV002678944.4), dbSNP rs2535297502, ClinGen allele CA368831375.
Genomic context (GRCh38, chr7:107,675,012, plus strand): 5'-TTGGTGGCTTGCAGATTGGATTCATAGTGAGGTACTTGGCAGATCCTTTGGTTGGTGGCT[T>C]CACAACAGCTGCTGCCTTCCAAGTGCTGGTCTCACAGCTAAAGATTGTCCTCAATGTTTC-3'
Protein context (NP_000432.1, residues 213-233): RYLADPLVGG[Phe223Ser]TTAAAFQVLV

ClinVar aggregate classification (germline): Pathogenic. Review status: criteria provided, multiple submitters, no conflicts (2 of 4 stars). 2 submissions from 2 submitters: Pathogenic (2). Last evaluated 2022-11-30.

Conditions:
Autosomal recessive nonsyndromic hearing loss 4 (DFNB4). Also called: Deafness, autosomal recessive 4; Enlarged vestibular aqueduct, digenic; NEUROSENSORY NONSYNDROMIC RECESSIVE DEAFNESS 4; Nonsyndromic enlarged vestibular aqueduct (NSEVA); FOXI1-Related Pendred Syndrome; KCNJ10-Related Pendred Syndrome. Identifiers: Orphanet 90636, MedGen C3538946, MONDO:0010933, OMIM 600791.

Submissions (2):

Labcorp Genetics (formerly Invitae), Labcorp
Classification: Pathogenic. Last evaluated: 2022-11-30. Review status: criteria provided, single submitter. Criteria: Invitae Variant Classification Sherloc (09022015). Collection method: clinical testing. Allele origin: germline.
Comment: For these reasons, this variant has been classified as Pathogenic. Advanced modeling of protein sequence and biophysical properties (such as structural, functional, and spatial information, amino acid conservation, physicochemical variation, residue mobility, and thermodynamic stability) performed at Invitae indicates that this missense variant is expected to disrupt SLC26A4 protein function. This missense change has been observed in individual(s) with clinical features of Pendred syndrome (PMID: 25372295, 30554688). This variant is not present in population databases (gnomAD no frequency). This sequence change replaces phenylalanine, which is neutral and non-polar, with serine, which is neutral and polar, at codon 223 of the SLC26A4 protein (p.Phe223Ser).

Baylor Genetics
Classification: Pathogenic for Autosomal recessive nonsyndromic hearing loss 4. Last evaluated: 2021-12-08. Review status: criteria provided, single submitter. Criteria: ACMG Guidelines, 2015. Collection method: clinical testing. Allele origin: unknown.

Literature cited by the submitters: PubMed 25372295 (cited by Labcorp Genetics (formerly Invitae), Labcorp); PubMed 30554688 (cited by Labcorp Genetics (formerly Invitae), Labcorp).